The following is an entry in ClinVar:

ClinVar aggregate classification (germline): Pathogenic (1 of 4 stars; one submission).

Conditions:
Genitopatellar syndrome (GTPTS). Also called: Genitopatellar syndrome (GPS); ABSENT PATELLAE, SCROTAL HYPOPLASIA, RENAL ANOMALIES, FACIAL DYSMORPHISM, AND MENTAL RETARDATION. Identifiers: Orphanet 85201, MedGen C1853566, MONDO:0011640, OMIM 606170.

Submission:

Labcorp Genetics (formerly Invitae), Labcorp
Classification: Pathogenic for Genitopatellar syndrome. Last evaluated: 2023-10-11. Review status: criteria provided, single submitter. Criteria: Invitae Variant Classification Sherloc (09022015). Collection method: clinical testing. Allele origin: germline.
Comment: This sequence change creates a premature translational stop signal (p.Phe1803Leufs*21) in the KAT6B gene. While this is not anticipated to result in nonsense mediated decay, it is expected to disrupt the last 271 amino acid(s) of the KAT6B protein. This variant is not present in population databases (gnomAD no frequency). This premature translational stop signal has been observed in individual(s) with clinical features of KAT6B-related conditions (Invitae). In at least one individual the variant was observed to be de novo. ClinVar contains an entry for this variant (Variation ID: 1069369). Experimental studies and prediction algorithms are not available or were not evaluated, and the functional significance of this variant is currently unknown. For these reasons, this variant has been classified as Pathogenic.

NM_012330.4(KAT6B):c.5409del (p.Phe1803fs)

Gene: KAT6B (lysine acetyltransferase 6B; plus strand). Cytogenetic location: 10q22.2.
Variant type: Deletion.
Coding change: c.5409del on transcript NM_012330.4 (MANE Select); coding-DNA position 5409, one base deleted (T; older notation c.5409delT).
Protein change: p.Phe1803fs; shifts the reading frame from phenylalanine 1803.
Molecular consequence: frameshift variant.
Genome position (GRCh38, 1-based): chr10:75,030,233, T deleted; the last of 4 consecutive T bases (chr10:75,030,230-75,030,233); deleting any one gives the same sequence. VCF-style (leftmost placement, unchanged base first): chr10-75030229-AT-A. GRCh37 (hg19) VCF-style: chr10-76789987-AT-A.
Other names: c.4533del, p.Phe1511fs (NM_001370139.1, NM_001370140.1, NM_001370141.1 and 2 more transcripts); c.4344del, p.Phe1448fs (NM_001370143.1, NM_001370144.1); c.4860del, p.Phe1620fs (NM_001256468.2, NM_001370138.1); c.4371del, p.Phe1457fs (NM_001370132.1); c.3720del, p.Phe1240fs (NM_001370133.1); c.3324del, p.Phe1108fs (NM_001370134.1); c.3066del, p.Phe1022fs (NM_001370135.1); c.5409del, p.Phe1803fs (NM_001370136.1, NM_001370137.1); short protein forms F1022fs, F1108fs, F1240fs, F1448fs, F1457fs, F1511fs, F1620fs, F1803fs.
Identifiers: ClinVar variation 1069369 (VCV001069369.9), dbSNP rs2134249204, ClinGen allele CA2499220387.
Genomic context (GRCh38, chr10:75,030,229, plus strand): 5'-CTGAAATCCCCGAGACGAGCAACGCCAACATTGGCTTATACGAGCGAATGGGTCAGAGTG[AT>A]TTTGGGGCTGGGCATTACCCGCAGCCGTCAGCCACCTTCAGCCTTGCCAAACTGCAGCAG-3'